The following is an entry in ClinVar:

NM_001065.4(TNFRSF1A):c.904G>T (p.Gly302Cys)

Gene: TNFRSF1A (TNF receptor superfamily member 1A; minus strand). Cytogenetic location: 12p13.31.
Variant type: single nucleotide variant.
Coding change: c.904G>T on transcript NM_001065.4 (MANE Select); coding-DNA position 904, G replaced by T.
Protein change: p.Gly302Cys; replaces glycine 302 with cysteine.
Molecular consequence: missense variant. On other transcripts: non-coding transcript variant (1).
Genome position (GRCh38, 1-based): chr12:6,329,931, C>A on the plus strand (G>T on the coding strand, the complement: TNFRSF1A is on the minus strand). VCF-style: chr12-6329931-C-A. GRCh37 (hg19) VCF-style: chr12-6439097-C-A.
Other names: c.580G>T, p.Gly194Cys (NM_001346091.2); c.445G>T, p.Gly149Cys (NM_001346092.2); short protein forms G149C, G194C, G302C.
Identifiers: ClinVar variation 4801149 (VCV004801149.1).

ClinVar aggregate classification (germline): Uncertain significance (1 of 4 stars; one submission).

Conditions:
TNF receptor-associated periodic fever syndrome (TRAPS) (FPF). Also called: FAMILIAL HIBERNIAN FEVER; TNF RECEPTOR-ASSOCIATED PERIODIC SYNDROME; TUMOR NECROSIS FACTOR RECEPTOR-ASSOCIATED PERIODIC SYNDROME; Autosomal Dominant Familial Periodic Fever; TNF Receptor-Associated Periodic Fever Syndrome; TNF receptor 1-associated periodic fever syndrome. Identifiers: Orphanet 32960, MedGen C1275126, MONDO:0007727, OMIM 142680.

gnomAD v4.1: 1 of 1,570,932 alleles (0.000064%); highest among the groups gnomAD compares: Non-Finnish European, 0.000086%; no homozygotes.

Submission:

Labcorp Genetics (formerly Invitae), Labcorp
Classification: Uncertain significance for TNF receptor-associated periodic fever syndrome (TRAPS). Last evaluated: 2025-02-03. Review status: criteria provided, single submitter. Criteria: Invitae Variant Classification Sherloc (09022015). Collection method: clinical testing. Allele origin: germline.
Comment: This sequence change replaces glycine, which is neutral and non-polar, with cysteine, which is neutral and slightly polar, at codon 302 of the TNFRSF1A protein (p.Gly302Cys). This variant is not present in population databases (gnomAD no frequency). This variant has not been reported in the literature in individuals affected with TNFRSF1A-related conditions. An algorithm developed to predict the effect of missense changes on protein structure and function outputs the following: PolyPhen-2: "Benign". The cysteine amino acid residue is found in multiple mammalian species, which suggests that this missense change does not adversely affect protein function. In summary, the available evidence is currently insufficient to determine the role of this variant in disease. Therefore, it has been classified as a Variant of Uncertain Significance.